The following is an entry in ClinVar:

ClinVar aggregate classification (germline): Uncertain significance (1 of 4 stars; one submission).

Conditions:
Pancreatic adenocarcinoma. Identifiers: MedGen C0281361, MONDO:0006047, HP:0006725.

Submission:

Labcorp Genetics (formerly Invitae), Labcorp
Classification: Uncertain significance for Pancreatic adenocarcinoma. Last evaluated: 2021-05-19. Review status: criteria provided, single submitter. Criteria: Invitae Variant Classification Sherloc (09022015). Collection method: clinical testing. Allele origin: germline.
Comment: Experimental studies and prediction algorithms are not available or were not evaluated, and the functional significance of this variant is currently unknown. This variant, c.265_294del, results in the deletion of 10 amino acid(s) of the PALLD protein (p.Pro89_Pro98del), but otherwise preserves the integrity of the reading frame. The frequency data for this variant in the population databases is considered unreliable, as metrics indicate insufficient coverage at this position in the ExAC database. This variant has not been reported in the literature in individuals with PALLD-related conditions. In summary, the available evidence is currently insufficient to determine the role of this variant in disease. Therefore, it has been classified as a Variant of Uncertain Significance.

NM_001166108.2(PALLD):c.1965-12766_1965-12737del

Gene: PALLD (palladin, cytoskeletal associated protein; plus strand). Cytogenetic location: 4q32.3.
Variant type: Deletion.
Coding change: c.1965-12766_1965-12737del on transcript NM_001166108.2 (MANE Select); 12766 bases into the intron before coding-DNA position 1965 through 12737 bases into the intron before coding-DNA position 1965, 30 bases deleted (CCGCCCCCGCCACCCCCGGTCTTCAGCCCC).
Molecular consequence: intron variant. On other transcripts: inframe deletion (1).
Genome position (GRCh38, 1-based): chr4:168,878,156-168,878,185, CCGCCCCCGCCACCCCCGGTCTTCAGCCCC deleted; deleting any 30 consecutive bases within chr4:168,878,153-168,878,185 gives the same sequence; the c. name uses the placement nearest the transcript's 3' end. VCF-style (leftmost placement, unchanged base first): chr4-168878152-GCCCCCGCCCCCGCCACCCCCGGTCTTCAGC-G. GRCh37 (hg19) VCF-style: chr4-169799303-GCCCCCGCCCCCGCCACCCCCGGTCTTCAGC-G.
Other names: c.265_294del, p.Pro89_Pro98del (NM_001166110.2); c.1965-12766_1965-12737del (NM_016081.4); c.819-12766_819-12737del (NM_001166109.2); c.-157-12766_-157-12737del (NM_001367570.1, NM_001367568.1, NM_001367567.1 and 1 more transcripts).
Identifiers: ClinVar variation 1492645 (VCV001492645.8), dbSNP rs2151118113, ClinGen allele CA2573138114.